The following is an entry in ClinVar:

ClinVar aggregate classification (germline): Uncertain significance (1 of 4 stars; one submission).

gnomAD v4.1: 7 of 1,614,180 alleles (0.00043%); highest among the groups gnomAD compares: Non-Finnish European, 0.00059%; no homozygotes.

Submission:

Labcorp Genetics (formerly Invitae), Labcorp
Classification: Uncertain significance. Last evaluated: 2025-03-07. Review status: criteria provided, single submitter. Criteria: Invitae Variant Classification Sherloc (09022015). Collection method: clinical testing. Allele origin: germline.
Comment: This sequence change replaces asparagine, which is neutral and polar, with tyrosine, which is neutral and polar, at codon 3267 of the KMT2A protein (p.Asn3267Tyr). This variant is not present in population databases (gnomAD no frequency). This variant has not been reported in the literature in individuals affected with KMT2A-related conditions. Invitae Evidence Modeling of protein sequence and biophysical properties (such as structural, functional, and spatial information, amino acid conservation, physicochemical variation, residue mobility, and thermodynamic stability) indicates that this missense variant is not expected to disrupt KMT2A protein function with a negative predictive value of 95%. In summary, the available evidence is currently insufficient to determine the role of this variant in disease. Therefore, it has been classified as a Variant of Uncertain Significance.

NM_001197104.2(KMT2A):c.9799A>T (p.Asn3267Tyr)

Gene: KMT2A (lysine methyltransferase 2A; plus strand). Cytogenetic location: 11q23.3.
Variant type: single nucleotide variant.
Coding change: c.9799A>T on transcript NM_001197104.2 (MANE Select); coding-DNA position 9799, A replaced by T.
Protein change: p.Asn3267Tyr; replaces asparagine 3267 with tyrosine.
Molecular consequence: missense variant.
Genome position (GRCh38, 1-based): chr11:118,505,691, A>T. VCF-style: chr11-118505691-A-T. GRCh37 (hg19) VCF-style: chr11-118376406-A-T.
Other names: c.9889A>T, p.Asn3297Tyr (NM_001412597.1); c.9790A>T, p.Asn3264Tyr (NM_005933.4); short protein forms N3297Y, N3267Y, N3264Y.
Identifiers: ClinVar variation 4754894 (VCV004754894.1).